The following is an entry in ClinVar:

NM_000179.3(MSH6):c.96C>T (p.Gly32=)

Gene: MSH6 (mutS homolog 6; plus strand). Cytogenetic location: 2p16.3.
Variant type: single nucleotide variant.
Coding change: c.96C>T on transcript NM_000179.3 (MANE Select); coding-DNA position 96, C replaced by T.
Protein change: p.Gly32=; no amino-acid change (glycine 32 retained).
Molecular consequence: synonymous variant. On other transcripts: 5 prime UTR variant (1).
Genome position (GRCh38, 1-based): chr2:47,783,329, C>T. VCF-style: chr2-47783329-C-T. GRCh37 (hg19) VCF-style: chr2-48010468-C-T.
Other names: c.96C>T, p.Gly32= (NM_001281492.2); c.-641C>T (NM_001281493.2).
Identifiers: ClinVar variation 525908 (VCV000525908.14), dbSNP rs553046896, ClinGen allele CA073672.
Genomic context (GRCh38, chr2:47,783,329, plus strand): 5'-CAAGTCTCCGGCGCTGAGTGATGCCAACAAGGCCTCGGCCAGGGCCTCACGCGAAGGCGG[C>T]CGTGCCGCCGCTGCCCCCGGGGCCTCTCCTTCCCCAGGCGGGGATGCGGCCTGGAGCGAG-3'
Protein context (NP_000170.1, residues 22-42): KASARASREG[Gly32=]RAAAAPGASP

ClinVar aggregate classification (germline): Benign/Likely benign. Review status: criteria provided, multiple submitters, no conflicts (2 of 4 stars). 3 submissions from 3 submitters: Benign (1); Likely benign (2). Last evaluated 2024-12-17.

Conditions:
Hereditary nonpolyposis colorectal neoplasms. Identifiers: MedGen C0009405, MeSH D003123.
Hereditary cancer-predisposing syndrome. Also called: Neoplastic Syndromes, Hereditary; Tumor predisposition; Hereditary Cancer Syndrome; Hereditary neoplastic syndrome. Identifiers: Orphanet 140162, MedGen C0027672, MeSH D009386, MONDO:0015356.
Lynch syndrome 5 (LYNCH5). Also called: Colorectal cancer, hereditary nonpolyposis, type 5; Hereditary non-polyposis colorectal cancer, type 5. Identifiers: Orphanet 144, MedGen C1833477, MONDO:0013710, OMIM 614350. Disease mechanism: loss of function.

Allele frequency attached by ClinVar (database versions not stated): gnomAD exomes below 0.00001 and 0.00001; TOPMed below 0.00001; gnomAD 0.00001; ExAC 0.00002.
gnomAD v4.1: 9 of 1,609,816 alleles (0.00056%); highest among the groups gnomAD compares: South Asian, 0.0011%; no homozygotes.

Submissions (3):

Myriad Genetics, Inc.
Classification: Benign for Lynch syndrome 5. Last evaluated: 2024-12-17. Review status: criteria provided, single submitter. Criteria: Myriad Autosomal Dominant, Autosomal Recessive and X-Linked Classification Criteria (2023). Collection method: clinical testing. Allele origin: unknown.
Comment: This variant is considered benign. This variant is a silent/synonymous amino acid change and it is not expected to impact splicing.

Ambry Genetics
Classification: Likely benign for Hereditary cancer-predisposing syndrome. Last evaluated: 2023-12-16. Review status: criteria provided, single submitter. Criteria: Ambry Variant Classification Scheme 2023. Collection method: clinical testing. Allele origin: germline.

Labcorp Genetics (formerly Invitae), Labcorp
Classification: Likely benign for Hereditary nonpolyposis colorectal neoplasms. Last evaluated: 2022-10-27. Review status: criteria provided, single submitter. Criteria: Invitae Variant Classification Sherloc (09022015). Collection method: clinical testing. Allele origin: germline.